The following is an entry in ClinVar:

ClinVar aggregate classification (germline): Conflicting classifications of pathogenicity. Review status: criteria provided, conflicting classifications (1 of 4 stars). 4 submissions from 3 submitters: Uncertain significance (2); Benign (1); Likely benign (1). Last evaluated 2025-02-03.

Conditions:
Congenital stationary night blindness autosomal dominant 2. Also called: NIGHT BLINDNESS, CONGENITAL STATIONARY, RAMBUSCH TYPE. Identifiers: Orphanet 215, MedGen C1876182, MONDO:0008099, OMIM 163500.
Retinitis pigmentosa (RP). Identifiers: Orphanet 791, MedGen C0035334, MeSH D012174, MONDO:0019200, OMIM 268000. Inheritance: Autosomal dominant, autosomal recessive and X linked inheritance.
Retinal dystrophy. Also called: Inherited retinal dystrophy. Identifiers: Orphanet 71862, MedGen C0854723, MeSH D058499, MONDO:0019118, HP:0000556.

Allele frequency attached by ClinVar (database versions not stated): gnomAD 0.00001; TOPMed 0.00001; ExAC 0.00003; gnomAD exomes 0.00004.
gnomAD v4.1: 35 of 1,613,686 alleles (0.0022%); highest among the groups gnomAD compares: East Asian, 0.045%; 1 homozygote.

Submissions (4):

Labcorp Genetics (formerly Invitae), Labcorp
Classification: Likely benign. Last evaluated: 2025-02-03. Review status: criteria provided, single submitter. Criteria: Invitae Variant Classification Sherloc (09022015). Collection method: clinical testing. Allele origin: germline.

Dept Of Ophthalmology, Nagoya University
Classification: Uncertain significance for Retinal dystrophy. Last evaluated: 2023-10-01. Review status: criteria provided, single submitter. Criteria: Submitter's publication. Collection method: research. Allele origin: germline. Affected: yes.

Illumina Laboratory Services, Illumina
Classification: Uncertain significance for Retinitis pigmentosa. Last evaluated: 2018-01-13. Review status: criteria provided, single submitter. Criteria: ICSL Variant Classification Criteria 13 December 2019. Collection method: clinical testing. Allele origin: germline.

Illumina Laboratory Services, Illumina
Classification: Benign for Congenital stationary night blindness autosomal dominant 2. Last evaluated: 2018-01-13. Review status: criteria provided, single submitter. Criteria: ICSL Variant Classification Criteria 13 December 2019. Collection method: clinical testing. Allele origin: germline.
Comment: This variant was observed in the ICSL laboratory as part of a predisposition screen in an ostensibly healthy population. It had not been previously curated by ICSL or reported in the Human Gene Mutation Database (HGMD: prior to June 1st, 2018), and was therefore a candidate for classification through an automated scoring system. Utilizing variant allele frequency, disease prevalence and penetrance estimates, and inheritance mode, an automated score was calculated to assess if this variant is too frequent to cause the disease. Based on the score and internal cut-off values, a variant classified as benign is not then subjected to further curation. The score for this variant resulted in a classification of benign for this disease.

NM_000283.4(PDE6B):c.1590C>T (p.Val530=)

Gene: PDE6B (phosphodiesterase 6B; plus strand). Cytogenetic location: 4p16.3.
Variant type: single nucleotide variant.
Coding change: c.1590C>T on transcript NM_000283.4 (MANE Select); coding-DNA position 1590, C replaced by T.
Protein change: p.Val530=; no amino-acid change (valine 530 retained).
Molecular consequence: synonymous variant.
Genome position (GRCh38, 1-based): chr4:660,589, C>T. VCF-style: chr4-660589-C-T. GRCh37 (hg19) VCF-style: chr4-654378-C-T.
Other names: c.1590C>T, p.Val530= (NM_001145291.2); c.753C>T, p.Val251= (NM_001145292.2, NM_001350154.3, NM_001379246.1 and 1 more transcripts); c.435C>T, p.Val145= (NM_001350155.3).
Identifiers: ClinVar variation 349380 (VCV000349380.13), dbSNP rs202244041, ClinGen allele CA2794583.